The following is an entry in ClinVar:

ClinVar aggregate classification (germline): Pathogenic (1 of 4 stars; one submission).

Conditions:
Hereditary cancer-predisposing syndrome. Also called: Neoplastic Syndromes, Hereditary; Tumor predisposition; Hereditary neoplastic syndrome; Hereditary Cancer Syndrome. Identifiers: Orphanet 140162, MedGen C0027672, MeSH D009386, MONDO:0015356.

Submission:

Ambry Genetics
Classification: Pathogenic for Hereditary cancer-predisposing syndrome. Last evaluated: 2023-10-02. Review status: criteria provided, single submitter. Criteria: Ambry Variant Classification Scheme 2023. Collection method: clinical testing. Allele origin: germline.
Comment: The c.336_337delCCinsA pathogenic mutation, located in coding exon 4 of the PALB2 gene, results from the deletion of two nucleotides and insertion of one nucleotide causing a translational frameshift with a predicted alternate stop codon (p.P113Qfs*64). This variant was detected in 3/7840 breast cancer cases and 0/7929 healthy controls from Southeast Asia (Ng PS et al. J Med Genet, 2022 May;59:481-491). In addition to the clinical data presented in the literature, this alteration is expected to result in loss of function by premature protein truncation or nonsense-mediated mRNA decay. As such, this alteration is interpreted as a disease-causing mutation.

Literature cited by the submitters: PubMed 33811135.

NM_024675.4(PALB2):c.336_337delinsA (p.Pro113fs)

Gene: PALB2 (partner and localizer of BRCA2; minus strand). Cytogenetic location: 16p12.2.
Variant type: Indel.
Coding change: c.336_337delinsA on transcript NM_024675.4 (MANE Select); coding-DNA positions 336 to 337, CC replaced by A.
Protein change: p.Pro113fs; shifts the reading frame from proline 113.
Molecular consequence: frameshift variant. On other transcripts: 5 prime UTR variant (8), intron variant (3).
Genome position (GRCh38, 1-based): chr16:23,636,209-23,636,210, GG replaced by T on the plus strand (CC replaced by A on the coding strand, the reverse complement: PALB2 is on the minus strand). VCF-style: chr16-23636209-GG-T. GRCh37 (hg19) VCF-style: chr16-23647530-GG-T.
Other names: c.276_277delinsA, p.Pro93fs (NM_001407296.1); c.336_337delinsA, p.Pro113fs (NM_001407297.1, NM_001407298.1, NM_001407299.1 and 3 more transcripts); c.-550_-549delinsA (NM_001407304.1, NM_001407305.1, NM_001407306.1 and 5 more transcripts); c.48+4900_48+4901delinsA (NM_001407314.1); c.-105+4900_-105+4901delinsA (NM_001407313.1, NM_001407312.1); short protein forms P113fs, P93fs.
Identifiers: ClinVar variation 3228030 (VCV003228030.1), dbSNP rs2506515843, ClinGen allele CA2695222989.